The following is an entry in ClinVar:

NM_152443.3(RDH12):c.872C>T (p.Ser291Phe)

Genes: GPHN (gephyrin; plus strand), RDH12 (retinol dehydrogenase 12; plus strand), ZFYVE26 (zinc finger FYVE-type containing 26; minus strand). Cytogenetic location: 14q24.1.
Variant type: single nucleotide variant.
Coding change: c.872C>T on transcript NM_152443.3 (MANE Select); coding-DNA position 872, C replaced by T.
Protein change: p.Ser291Phe; replaces serine 291 with phenylalanine.
Molecular consequence: missense variant.
Genome position (GRCh38, 1-based): chr14:67,733,769, C>T. VCF-style: chr14-67733769-C-T. GRCh37 (hg19) VCF-style: chr14-68200486-C-T.
Other names: short protein forms S291F.
Identifiers: ClinVar variation 3768137 (VCV003768137.2).

ClinVar aggregate classification (germline): Uncertain significance. Review status: criteria provided, multiple submitters, no conflicts (2 of 4 stars). 2 submissions from 2 submitters: Uncertain significance (2). Last evaluated 2024-12-27.

gnomAD v4.1: 9 of 1,613,184 alleles (0.00056%); highest among the groups gnomAD compares: Non-Finnish European, 0.00076%; no homozygotes.

Submissions (2):

Women's Health and Genetics/Laboratory Corporation of America, LabCorp
Classification: Uncertain significance. Last evaluated: 2024-12-27. Review status: criteria provided, single submitter. Criteria: LabCorp Variant Classification Summary - May 2015. Collection method: clinical testing. Allele origin: germline.
Comment: Variant summary: RDH12 c.872C>T (p.Ser291Phe) results in a non-conservative amino acid change in the encoded protein sequence. Three of five in-silico tools predict a damaging effect of the variant on protein function. The variant was absent in 251440 control chromosomes (gnomAD). c.872C>T has been reported in the literature in individuals affected with retinal dystrophy or retinitis pigmentosa (Neveling_2013, Panneman_2023). These data indicate that the variant may be associated with disease. To our knowledge, no experimental evidence demonstrating an impact on protein function has been reported. The following publications have been ascertained in the context of this evaluation (PMID: 24123792, 36819107). No submitters have cited clinical-significance assessments for this variant to ClinVar. Based on the evidence outlined above, the variant was classified as VUS-possibly pathogenic.

Blueprint Genetics
Classification: Uncertain significance. Last evaluated: 2018-05-29. Review status: criteria provided, single submitter. Criteria: ACMG Guidelines, 2015. Collection method: clinical testing. Allele origin: germline.

Literature cited by the submitters: PubMed 24123792 (cited by Women's Health and Genetics/Laboratory Corporation of America, LabCorp); PubMed 36819107 (cited by Women's Health and Genetics/Laboratory Corporation of America, LabCorp).